The following is an entry in ClinVar:

NM_020928.2(ZSWIM6):c.2315A>G (p.Tyr772Cys)

Gene: ZSWIM6 (zinc finger SWIM-type containing 6; plus strand). Cytogenetic location: 5q12.1.
Variant type: single nucleotide variant.
Coding change: c.2315A>G on transcript NM_020928.2 (MANE Select); coding-DNA position 2315, A replaced by G.
Protein change: p.Tyr772Cys; replaces tyrosine 772 with cysteine.
Molecular consequence: missense variant.
Genome position (GRCh38, 1-based): chr5:61,535,553, A>G. VCF-style: chr5-61535553-A-G. GRCh37 (hg19) VCF-style: chr5-60831380-A-G.
Other names: short protein forms Y772C.
Identifiers: ClinVar variation 4998607 (VCV004998607.1).

ClinVar aggregate classification (germline): Uncertain significance (1 of 4 stars; one submission).

Conditions:
ZSWIM6-related disorder. Also called: ZSWIM6-related condition.

Submission:

PreventionGenetics, part of Exact Sciences
Classification: Uncertain significance for ZSWIM6-related condition. Last evaluated: 2024-10-28. Review status: criteria provided, single submitter. Criteria: ACMG Guidelines, 2015. Collection method: clinical testing. Allele origin: germline.
Comment: The ZSWIM6 c.2315A>G variant is predicted to result in the amino acid substitution p.Tyr772Cys. To our knowledge, this variant has not been reported in the literature or in a large population database (gnomAD), indicating this variant is rare. At this time, the clinical significance of this variant is uncertain due to the absence of conclusive functional and genetic evidence.